The following is an entry in ClinVar:

NM_000161.3(GCH1):c.248dup (p.Glu84fs)

Gene: GCH1 (GTP cyclohydrolase 1; minus strand). Cytogenetic location: 14q22.2.
Variant type: Duplication.
Coding change: c.248dup on transcript NM_000161.3 (MANE Select); coding-DNA position 248, one base duplicated (G; older notation c.248dupG).
Protein change: p.Glu84fs; shifts the reading frame from glutamic acid 84.
Molecular consequence: frameshift variant.
Genome position (GRCh38, 1-based): chr14:54,902,416, C duplicated on the plus strand (G on the coding strand, the reverse complement: GCH1 is on the minus strand); the first of 3 consecutive C bases (chr14:54,902,416-54,902,418); duplicating any one gives the same sequence. VCF-style (leftmost placement, unchanged base first): chr14-54902415-G-GC. GRCh37 (hg19) VCF-style: chr14-55369133-G-GC.
Other names: c.248dupG (NM_000161.2); c.248dup, p.Glu84fs (NM_001024024.2, NM_001024070.2, NM_001024071.2); short protein forms E84fs.
Identifiers: ClinVar variation 640887 (VCV000640887.7), dbSNP rs1595031221, ClinGen allele CA915947611.
Genomic context (GRCh38, chr14:54,902,415, plus strand): 5'-CTGCATGGCCGAGGCCGCCCTCCAGGGCGTCTTGAGCAGCCCTTGCCGCTGGGGGTTCTC[G>GC]CCCAGCGAGCTCAGGATGGACGAGTAGGCGGCTGCCAGGTTAGGGAGGTTCAGCTCGTTA-3'

ClinVar aggregate classification (germline): Pathogenic/Likely pathogenic. Review status: criteria provided, multiple submitters, no conflicts (2 of 4 stars). 2 submissions from 2 submitters: Pathogenic (1); Likely pathogenic (1). Last evaluated 2019-12-30.

Conditions:
Dystonia 5 (DRD). Also called: Dystonia, DOPA-responsive, with or without hyperphenylalaninemia; DYSTONIA, PROGRESSIVE, WITH DIURNAL VARIATION; DYSTONIA-PARKINSONISM WITH DIURNAL FLUCTUATION; DYT-GCH1; GTP Cyclohydrolase 1-Deficient Dopa-Responsive Dystonia. Identifiers: Orphanet 98808, MedGen C1851920, MONDO:0007495, OMIM 128230.
GTP cyclohydrolase I deficiency. Identifiers: MedGen C0268467, MONDO:0100184.

Submissions (2):

Athena Diagnostics
Classification: Likely pathogenic. Last evaluated: 2019-12-30. Review status: criteria provided, single submitter. Criteria: Athena Diagnostics Criteria. Collection method: clinical testing. Allele origin: unknown.
Comment: The variant results in a shift of the reading frame, and is therefore predicted to result in the loss of a functional protein. Not found in the total gnomAD dataset, and the data is high quality.

Labcorp Genetics (formerly Invitae), Labcorp
Classification: Pathogenic for GTP cyclohydrolase I deficiency; Dystonia 5. Last evaluated: 2018-09-18. Review status: criteria provided, single submitter. Criteria: Invitae Variant Classification Sherloc (09022015). Collection method: clinical testing. Allele origin: germline.
Comment: For these reasons, this variant has been classified as Pathogenic. Loss-of-function variants in GCH1 are known to be pathogenic (PMID: 19491146). This variant has not been reported in the literature in individuals with GCH1-related disease. This variant is not present in population databases (ExAC no frequency). This sequence change creates a premature translational stop signal (p.Glu84Argfs*40) in the GCH1 gene. It is expected to result in an absent or disrupted protein product.

Literature cited by the submitters: PubMed 19491146 (cited by Labcorp Genetics (formerly Invitae), Labcorp).